The following is an entry in ClinVar:

NM_000051.4(ATM):c.2901T>G (p.Leu967=)

Gene: ATM (ATM serine/threonine kinase; plus strand). Cytogenetic location: 11q22.3.
Variant type: single nucleotide variant.
Coding change: c.2901T>G on transcript NM_000051.4 (MANE Select); coding-DNA position 2901, T replaced by G.
Protein change: p.Leu967=; no amino-acid change (leucine 967 retained).
Molecular consequence: synonymous variant.
Genome position (GRCh38, 1-based): chr11:108,271,126, T>G. VCF-style: chr11-108271126-T-G. GRCh37 (hg19) VCF-style: chr11-108141853-T-G.
Other names: c.2901T>G, p.Leu967= (NM_001351834.2).
Identifiers: ClinVar variation 215580 (VCV000215580.11), dbSNP rs778731866, ClinGen allele CA336373.

ClinVar aggregate classification (germline): Benign/Likely benign. Review status: criteria provided, multiple submitters, no conflicts (2 of 4 stars). 3 submissions from 3 submitters: Benign (1); Likely benign (2). Last evaluated 2024-05-10.

Conditions:
Hereditary cancer-predisposing syndrome. Also called: Tumor predisposition; Hereditary Cancer Syndrome; Neoplastic Syndromes, Hereditary; Hereditary neoplastic syndrome. Identifiers: Orphanet 140162, MedGen C0027672, MeSH D009386, MONDO:0015356.
Ataxia-telangiectasia syndrome (AT). Also called: Cerebello-oculocutaneous telangiectasia; Immunodeficiency with ataxia telangiectasia; Ataxia telangiectasia (A-T); LOUIS-BAR SYNDROME; ATAXIA-TELANGIECTASIA, COMPLEMENTATION GROUP A; ATAXIA-TELANGIECTASIA, FRESNO VARIANT. Identifiers: Orphanet 100, MedGen C0004135, MONDO:0008840, OMIM 208900.
Familial cancer of breast. Also called: Hereditary breast cancer; BREAST CANCER, FAMILIAL; hereditary breast carcinoma. Identifiers: Orphanet 227535, MedGen C0346153, MONDO:0016419, OMIM 114480. Disease mechanism: loss of function.

Allele frequency attached by ClinVar (database versions not stated): ExAC 0.00001.
gnomAD v4.1: 1 of 1,614,144 alleles (0.000062%); highest among the groups gnomAD compares: East Asian, 0.0022%; no homozygotes.

Submissions (3):

Myriad Genetics, Inc.
Classification: Benign for Familial cancer of breast. Last evaluated: 2024-05-10. Review status: criteria provided, single submitter. Criteria: Myriad Autosomal Dominant, Autosomal Recessive and X-Linked Classification Criteria (2023). Collection method: clinical testing. Allele origin: unknown.
Comment: This variant is considered benign. This variant is a silent/synonymous amino acid change and it is not expected to impact splicing.

Labcorp Genetics (formerly Invitae), Labcorp
Classification: Likely benign for Ataxia-telangiectasia syndrome. Last evaluated: 2022-07-30. Review status: criteria provided, single submitter. Criteria: Invitae Variant Classification Sherloc (09022015). Collection method: clinical testing. Allele origin: germline.

Color Diagnostics, LLC DBA Color Health
Classification: Likely benign for Hereditary cancer-predisposing syndrome. Last evaluated: 2019-05-28. Review status: criteria provided, single submitter. Criteria: ACMG Guidelines, 2015. Collection method: clinical testing. Allele origin: germline.